The following is an entry in ClinVar:

NM_012208.4(HARS2):c.183+1G>T

Gene: HARS2 (histidyl-tRNA synthetase 2, mitochondrial; plus strand). Cytogenetic location: 5q31.3.
Variant type: single nucleotide variant.
Coding change: c.183+1G>T on transcript NM_012208.4 (MANE Select); the canonical splice donor site of the intron after coding-DNA position 183, G replaced by T.
Molecular consequence: splice donor variant. On other transcripts: intron variant (1).
Genome position (GRCh38, 1-based): chr5:140,693,666, G>T. VCF-style: chr5-140693666-G-T. GRCh37 (hg19) VCF-style: chr5-140073251-G-T.
Other names: c.-28+1G>T (NM_001278732.2, NM_001363536.2); c.201+1G>T (NM_001363535.2); c.109-269G>T (NM_001278731.2).
Identifiers: ClinVar variation 3693493 (VCV003693493.2).

ClinVar aggregate classification (germline): Likely pathogenic (1 of 4 stars; one submission).

Submission:

Labcorp Genetics (formerly Invitae), Labcorp
Classification: Likely pathogenic. Last evaluated: 2025-07-10. Review status: criteria provided, single submitter. Criteria: Invitae Variant Classification Sherloc (09022015). Collection method: clinical testing. Allele origin: germline.
Comment: This sequence change affects a donor splice site in intron 2 of the HARS2 gene. It is expected to disrupt RNA splicing. Variants that disrupt the donor or acceptor splice site typically lead to a loss of protein function (PMID: 16199547), and loss-of-function variants in HARS2 are known to be pathogenic (PMID: 31827252). This variant is not present in population databases (gnomAD no frequency). This variant has not been reported in the literature in individuals affected with HARS2-related conditions. ClinVar contains an entry for this variant (Variation ID: 3693493). Algorithms developed to predict the effect of sequence changes on RNA splicing suggest that this variant may disrupt the consensus splice site. In summary, the currently available evidence indicates that the variant is pathogenic, but additional data are needed to prove that conclusively. Therefore, this variant has been classified as Likely Pathogenic.

Literature cited by the submitters: PubMed 16199547; PubMed 31827252.